The following is an entry in ClinVar:

NM_000075.4(CDK4):c.793G>T (p.Glu265Ter)

Genes: TSPAN31 (tetraspanin 31; plus strand), CDK4 (cyclin dependent kinase 4; minus strand). Cytogenetic location: 12q14.1.
Variant type: single nucleotide variant.
Coding change: c.793G>T on transcript NM_000075.4 (MANE Select); coding-DNA position 793, G replaced by T.
Protein change: p.Glu265Ter; replaces glutamic acid 265 with a stop codon.
Molecular consequence: nonsense. On other transcripts: 3 prime UTR variant (3).
Genome position (GRCh38, 1-based): chr12:57,749,208, C>A on the plus strand (G>T on the coding strand, the complement: CDK4 is on the minus strand). VCF-style: chr12-57749208-C-A. GRCh37 (hg19) VCF-style: chr12-58142991-C-A.
Other names: c.*1918C>A (NM_001330168.2, NM_001330169.2, NM_005981.5); short protein forms E265*.
Identifiers: ClinVar variation 4732288 (VCV004732288.1).
Genomic context (GRCh38, chr12:57,749,208, plus strand): 5'-TTTCTTTCCCTGTGCCCACAGCCATCTCCAGTACCAGCAGCAGCTGTGCTCCCGACTCCT[C>A]CATCTCAGGTACCACCGACTGCACTGGGCGGGGCCCTCTGGGGGGAAAGGCTCCACGGGG-3'

ClinVar aggregate classification (germline): Uncertain significance (1 of 4 stars; one submission).

Conditions:
Familial melanoma. Also called: Hereditary melanoma; Hereditary cutaneous melanoma. Identifiers: Orphanet 618, MedGen C1512419, MONDO:0018961.

Submission:

Labcorp Genetics (formerly Invitae), Labcorp
Classification: Uncertain significance for Familial melanoma. Last evaluated: 2025-12-01. Review status: criteria provided, single submitter. Criteria: Invitae Variant Classification Sherloc (09022015). Collection method: clinical testing. Allele origin: germline.
Comment: This sequence change creates a premature translational stop signal (p.Glu265*) in the CDK4 gene. While this is not anticipated to result in nonsense mediated decay, it is expected to disrupt the last 39 amino acid(s) of the CDK4 protein. This variant is not present in population databases (gnomAD no frequency). This variant has not been reported in the literature in individuals affected with CDK4-related conditions. Algorithms developed to predict the effect of sequence changes on RNA splicing suggest that this variant may disrupt the consensus splice site. In summary, the available evidence is currently insufficient to determine the role of this variant in disease. Therefore, it has been classified as a Variant of Uncertain Significance.